The following is an entry in ClinVar:

ClinVar aggregate classification (germline): Uncertain significance (1 of 4 stars; one submission).

Submission:

GeneDx
Classification: Uncertain significance. Last evaluated: 2025-01-14. Review status: criteria provided, single submitter. Criteria: GeneDx Variant Classification Process June 2021. Collection method: clinical testing. Allele origin: germline. Affected: yes.
Comment: Not observed at significant frequency in large population cohorts (gnomAD); In silico analysis supports that this missense variant has a deleterious effect on protein structure/function; Has not been previously published as pathogenic or benign to our knowledge

NM_012281.3(KCND2):c.584T>G (p.Ile195Ser)

Gene: KCND2 (potassium voltage-gated channel subfamily D member 2; plus strand). Cytogenetic location: 7q31.31.
Variant type: single nucleotide variant.
Coding change: c.584T>G on transcript NM_012281.3 (MANE Select); coding-DNA position 584, T replaced by G.
Protein change: p.Ile195Ser; replaces isoleucine 195 with serine.
Molecular consequence: missense variant.
Genome position (GRCh38, 1-based): chr7:120,275,216, T>G. VCF-style: chr7-120275216-T-G. GRCh37 (hg19) VCF-style: chr7-119915270-T-G.
Other names: short protein forms I195S.
Identifiers: ClinVar variation 4070793 (VCV004070793.1).